The following is an entry in ClinVar:

NM_002691.4(POLD1):c.1495-8A>C

Gene: POLD1 (DNA polymerase delta 1, catalytic subunit; plus strand). Cytogenetic location: 19q13.33.
Variant type: single nucleotide variant.
Coding change: c.1495-8A>C on transcript NM_002691.4 (MANE Select); 8 bases into the intron before coding-DNA position 1495, A replaced by C.
Molecular consequence: intron variant.
Genome position (GRCh38, 1-based): chr19:50,406,975, A>C. VCF-style: chr19-50406975-A-C. GRCh37 (hg19) VCF-style: chr19-50910232-A-C.
Other names: c.1495-8A>C (NM_001256849.1, NM_001308632.1).
Identifiers: ClinVar variation 1081468 (VCV001081468.10), dbSNP rs2038910293, ClinGen allele CA996802280.
Genomic context (GRCh38, chr19:50,406,975, plus strand): 5'-CTTCCTTCTCCTGCTCCACCTCCCACCCCCAACCCCTGGTCCCTGACCCCATCCGTGCCC[A>C]TCCCCAGAATGGGAACGACCAGACCCGCCGCCGCCTGGCTGTGTACTGCCTGAAGGATGC-3'

ClinVar aggregate classification (germline): Likely benign. Review status: criteria provided, multiple submitters, no conflicts (2 of 4 stars). 2 submissions from 2 submitters: Likely benign (2). Last evaluated 2025-02-06.

Conditions:
POLD1-related polyposis and colorectal cancer syndrome (CRCS10). Also called: Colorectal cancer, susceptibility to, 10; Colorectal cancer 10; COLORECTAL CANCER, SUSCEPTIBILITY TO, ON CHROMOSOME 19q. Identifiers: Orphanet 220460, MedGen C2675481, MONDO:0012953, OMIM 612591.

Submissions (2):

Myriad Genetics, Inc.
Classification: Likely benign for POLD1-related polyposis and colorectal cancer syndrome. Last evaluated: 2025-02-06. Review status: criteria provided, single submitter. Criteria: Myriad Autosomal Dominant, Autosomal Recessive and X-Linked Classification Criteria (2023). Collection method: clinical testing. Allele origin: unknown.
Comment: This variant is considered likely benign. This variant is intronic and is not expected to impact mRNA splicing.

Labcorp Genetics (formerly Invitae), Labcorp
Classification: Likely benign for POLD1-related polyposis and colorectal cancer syndrome. Last evaluated: 2024-07-27. Review status: criteria provided, single submitter. Criteria: Invitae Variant Classification Sherloc (09022015). Collection method: clinical testing. Allele origin: germline.